The following is an entry in ClinVar:

NM_015631.6(TCTN3):c.1367_1370dup (p.Glu457fs)

Gene: TCTN3 (tectonic family member 3; minus strand). Cytogenetic location: 10q24.1.
Variant type: Duplication.
Coding change: c.1367_1370dup on transcript NM_015631.6 (MANE Select); coding-DNA positions 1367 to 1370, 4 bases duplicated (CAGA; older notation c.1367_1370dupCAGA).
Protein change: p.Glu457fs; shifts the reading frame from glutamic acid 457.
Molecular consequence: frameshift variant.
Genome position (GRCh38, 1-based): chr10:95,682,733-95,682,736, TCTG duplicated on the plus strand (CAGA on the coding strand, the reverse complement: TCTN3 is on the minus strand). VCF-style (leftmost placement, unchanged base first): chr10-95682732-C-CTCTG. GRCh37 (hg19) VCF-style: chr10-97442489-C-CTCTG.
Other names: c.923_926dup, p.Glu309fs (NM_001143973.2); c.1271_1274dup, p.Glu425fs (NM_001410982.1); c.1421_1424dup, p.Glu475Aspfs (NM_001013840.1); short protein forms E425fs, E309fs, E457fs.
Identifiers: ClinVar variation 2946329 (VCV002946329.3), dbSNP rs2492740075, ClinGen allele CA2740093491.
Genomic context (GRCh38, chr10:95,682,732, plus strand): 5'-GAGGATCCTGGTCCACCCTCCTTTCTGGGCTGGGTCAGCATTACCAAAGATGGCAACATA[C>CTCTG]TCTGGTCTGGGCCTTCCATGAAGAGTCTGATAAATCTCCTGCTGCAAGTGGCTGCAGTCT-3'

ClinVar aggregate classification (germline): Pathogenic (1 of 4 stars; one submission).

Conditions:
Joubert syndrome 18 (JBTS18). Identifiers: Orphanet 2754, MedGen C3553758, MONDO:0013896, OMIM 614815.
Orofacial-digital syndrome IV (OFD4). Also called: BARAITSER-BURN SYNDROME; OFD SYNDROME WITH TIBIAL DEFECTS; OFD SYNDROME, BARAITSER-BURN TYPE; OFDS IV; ORAL-FACIAL-DIGITAL SYNDROME, TYPE IV; Orofaciodigital syndrome IV. Identifiers: Orphanet 2753, MedGen C0406727, MONDO:0009794, OMIM 258860.

Submission:

Labcorp Genetics (formerly Invitae), Labcorp
Classification: Pathogenic for Joubert syndrome 18; Orofacial-digital syndrome IV. Last evaluated: 2023-04-07. Review status: criteria provided, single submitter. Criteria: Invitae Variant Classification Sherloc (09022015). Collection method: clinical testing. Allele origin: germline.
Comment: For these reasons, this variant has been classified as Pathogenic. Algorithms developed to predict the effect of sequence changes on RNA splicing suggest that this variant may disrupt the consensus splice site. This variant has not been reported in the literature in individuals affected with TCTN3-related conditions. This variant is not present in population databases (gnomAD no frequency). This sequence change creates a premature translational stop signal (p.Glu457Aspfs*9) in the TCTN3 gene. It is expected to result in an absent or disrupted protein product. Loss-of-function variants in TCTN3 are known to be pathogenic (PMID: 2692869, 22883145, 25118024).

Literature cited by the submitters: PubMed 2692869; PubMed 22883145; PubMed 25118024.